The following is an entry in ClinVar:

ClinVar aggregate classification (germline): Benign (1 of 4 stars; one submission).

Submission:

ISCA site 4
Classification: Benign. Last evaluated: 2011-08-12. Review status: criteria provided, single submitter. Criteria: Kaminsky et al. (Genet Med. 2011). Collection method: clinical testing. Allele origin: unknown. Affected: yes. Observed: 1 variant allele.
Comment: Copy number variation identified through the course of routine clinical cytogenomic testing in postnatal populations. Clinical assertions have been curated as described in Kaminsky et al. 2011.

GRCh38/hg38 22q11.23-12.1(chr22:25299502-25507576)x1

Genes: MIR6817 (microRNA 6817; plus strand), LOC106780824 (conserved acetylation island sequence 2 enhancer; plus strand), LOC125424402 (Sharpr-MPRA regulatory region 13977; plus strand), LOC130067127 (ATAC-STARR-seq lymphoblastoid active region 18782; plus strand), LOC130067128 (ATAC-STARR-seq lymphoblastoid active region 18783; plus strand) and 6 more. Cytogenetic location: 22q11.23-12.1.
Variant type: copy number loss.
Change: copy number 1 (one copy instead of two) of chr22:25,299,502-25,507,576 (208.1 kb, GRCh38 coordinates, 1-based), cytogenetic band 22q11.23-12.1.
Identifiers: ClinVar variation 160998 (VCV000160998.1).